The following is an entry in ClinVar:

NM_007325.5(GRIA3):c.1543C>T (p.Arg515Cys)

Gene: GRIA3 (glutamate ionotropic receptor AMPA type subunit 3; plus strand). Cytogenetic location: Xq25.
Variant type: single nucleotide variant.
Coding change: c.1543C>T on transcript NM_007325.5 (MANE Select); coding-DNA position 1543, C replaced by T.
Protein change: p.Arg515Cys; replaces arginine 515 with cysteine.
Molecular consequence: missense variant.
Genome position (GRCh38, 1-based): chrX:123,417,444, C>T. VCF-style: chrX-123417444-C-T. GRCh37 (hg19) VCF-style: chrX-122551295-C-T.
Other names: c.1543C>T, p.Arg515Cys (NM_000828.5); short protein forms R515C.
Identifiers: ClinVar variation 3600684 (VCV003600684.1).

ClinVar aggregate classification (germline): Uncertain significance (1 of 4 stars; one submission).

Submission:

GeneDx
Classification: Uncertain significance. Last evaluated: 2024-07-22. Review status: criteria provided, single submitter. Criteria: GeneDx Variant Classification Process June 2021. Collection method: clinical testing. Allele origin: germline. Affected: yes.
Comment: Not observed at significant frequency in large population cohorts (gnomAD); In silico analysis supports that this missense variant has a deleterious effect on protein structure/function; Has not been previously published as pathogenic or benign to our knowledge